The following is an entry in ClinVar:

NM_144670.6(A2ML1):c.2048T>C (p.Leu683Pro)

Gene: A2ML1 (alpha-2-macroglobulin like 1; plus strand). Cytogenetic location: 12p13.31.
Variant type: single nucleotide variant.
Coding change: c.2048T>C on transcript NM_144670.6 (MANE Select); coding-DNA position 2048, T replaced by C.
Protein change: p.Leu683Pro; replaces leucine 683 with proline.
Molecular consequence: missense variant.
Genome position (GRCh38, 1-based): chr12:8,849,688, T>C. VCF-style: chr12-8849688-T-C. GRCh37 (hg19) VCF-style: chr12-9002284-T-C.
Other names: c.575T>C, p.Leu192Pro (NM_001282424.3); short protein forms L683P, L192P.
Identifiers: ClinVar variation 3284392 (VCV003284392.1).

ClinVar aggregate classification (germline): Uncertain significance (1 of 4 stars; one submission).

Submission:

Ambry Genetics
Classification: Uncertain significance. Last evaluated: 2024-04-19. Review status: criteria provided, single submitter. Criteria: Ambry Variant Classification Scheme 2023. Collection method: clinical testing. Allele origin: germline.
Comment: The p.L683P variant (also known as c.2048T>C), located in coding exon 17 of the A2ML1 gene, results from a T to C substitution at nucleotide position 2048. The leucine at codon 683 is replaced by proline, an amino acid with similar properties. This amino acid position is conserved. In addition, this alteration is predicted to be tolerated by in silico analysis. Based on the available evidence, the clinical significance of this variant remains unclear.